The following is an entry in ClinVar:

ClinVar aggregate classification (germline): Likely benign. Review status: criteria provided, multiple submitters, no conflicts (2 of 4 stars). 2 submissions from 2 submitters: Likely benign (2). Last evaluated 2025-12-14.

Conditions:
Jeune thoracic dystrophy. Also called: Jeune syndrome; Infantile thoracic dystrophy; Thoracic pelvic phalangeal dystrophy; Jeune's syndrome; Chondroectodermal dysplasia-like syndrome; Short-rib thoracic dysplasia. Identifiers: Orphanet 474, MedGen C0265275, MONDO:0018770.

Allele frequency attached by ClinVar (database versions not stated): TOPMed 0.00003; gnomAD 0.00004; gnomAD exomes 0.00005; ESP Exome Variant Server 0.00008; ExAC 0.00009; 1000 Genomes Project 30x 0.00016; 1000 Genomes Project 0.00020.
gnomAD v4.1: 84 of 1,613,534 alleles (0.0052%); highest among the groups gnomAD compares: East Asian, 0.031%; no homozygotes.

Submissions (2):

Labcorp Genetics (formerly Invitae), Labcorp
Classification: Likely benign for Jeune thoracic dystrophy. Last evaluated: 2025-12-14. Review status: criteria provided, single submitter. Criteria: Invitae Variant Classification Sherloc (09022015). Collection method: clinical testing. Allele origin: germline.

CeGaT Center for Human Genetics Tuebingen
Classification: Likely benign. Last evaluated: 2022-11-01. Review status: criteria provided, single submitter. Criteria: CeGaT Center For Human Genetics Tuebingen Variant Classification Criteria Version 2. Collection method: clinical testing. Allele origin: germline. Affected: yes. Observed: 1 variant allele.
Comment: DYNC2H1: BP4, BP7

NM_001377.3(DYNC2H1):c.12789G>A (p.Pro4263=)

Gene: DYNC2H1 (dynein cytoplasmic 2 heavy chain 1; plus strand). Cytogenetic location: 11q22.3.
Variant type: single nucleotide variant.
Coding change: c.12789G>A on transcript NM_001377.3 (MANE Select); coding-DNA position 12789, G replaced by A.
Protein change: p.Pro4263=; no amino-acid change (proline 4263 retained).
Molecular consequence: synonymous variant.
Genome position (GRCh38, 1-based): chr11:103,479,118, G>A. VCF-style: chr11-103479118-G-A. GRCh37 (hg19) VCF-style: chr11-103349846-G-A.
Other names: c.12810G>A, p.Pro4270= (NM_001080463.2).
Identifiers: ClinVar variation 2642331 (VCV002642331.27), dbSNP rs371957414, ClinGen allele CA6255690.